The following is an entry in ClinVar:

NM_005732.4(RAD50):c.1253_1254del (p.Phe418fs)

Gene: RAD50 (RAD50 double strand break repair protein; plus strand). Cytogenetic location: 5q31.1.
Variant type: Deletion.
Coding change: c.1253_1254del on transcript NM_005732.4 (MANE Select); coding-DNA positions 1253 to 1254, 2 bases deleted (TT; older notation c.1253_1254delTT).
Protein change: p.Phe418fs; shifts the reading frame from phenylalanine 418.
Molecular consequence: frameshift variant.
Genome position (GRCh38, 1-based): chr5:132,589,638-132,589,639, TT deleted; deleting any 2 consecutive bases within chr5:132,589,637-132,589,639 gives the same sequence; the c. name uses the placement nearest the transcript's 3' end. VCF-style (leftmost placement, unchanged base first): chr5-132589636-CTT-C. GRCh37 (hg19) VCF-style: chr5-131925328-CTT-C.
Other names: c.1253_1254del (NM_005732.3); short protein forms F418fs.
Identifiers: ClinVar variation 408373 (VCV000408373.17), dbSNP rs1060501954, ClinGen allele CA16611953.

ClinVar aggregate classification (germline): Pathogenic. Review status: criteria provided, multiple submitters, no conflicts (2 of 4 stars). 4 submissions from 4 submitters: Pathogenic (4). Last evaluated 2025-04-07.

Conditions:
Hereditary cancer-predisposing syndrome. Also called: Hereditary Cancer Syndrome; Hereditary neoplastic syndrome; Neoplastic Syndromes, Hereditary; Tumor predisposition. Identifiers: Orphanet 140162, MedGen C0027672, MeSH D009386, MONDO:0015356.
Nijmegen breakage syndrome-like disorder (NBSLD). Also called: MICROCEPHALY AND SPONTANEOUS CHROMOSOME INSTABILITY WITHOUT IMMUNODEFICIENCY; NBS-LIKE DISORDER; RAD50 DEFICIENCY. Identifiers: Orphanet 240760, MedGen C2751318, MONDO:0013118, OMIM 613078.

Submissions (4):

Labcorp Genetics (formerly Invitae), Labcorp
Classification: Pathogenic for Hereditary cancer-predisposing syndrome. Last evaluated: 2025-04-07. Review status: criteria provided, single submitter. Criteria: Invitae Variant Classification Sherloc (09022015). Collection method: clinical testing. Allele origin: germline.
Comment: This sequence change creates a premature translational stop signal (p.Phe418Cysfs*13) in the RAD50 gene. It is expected to result in an absent or disrupted protein product. Loss-of-function variants in RAD50 are known to be pathogenic (PMID: 19409520). This variant is present in population databases (no rsID available, gnomAD 0.004%). This variant has not been reported in the literature in individuals affected with RAD50-related conditions. ClinVar contains an entry for this variant (Variation ID: 408373). For these reasons, this variant has been classified as Pathogenic.

Baylor Genetics
Classification: Pathogenic for Nijmegen breakage syndrome-like disorder. Last evaluated: 2024-01-22. Review status: criteria provided, single submitter. Criteria: ACMG Guidelines, 2015. Collection method: clinical testing. Allele origin: unknown.

Ambry Genetics
Classification: Pathogenic for Hereditary cancer-predisposing syndrome. Last evaluated: 2022-03-01. Review status: criteria provided, single submitter. Criteria: Ambry Variant Classification Scheme 2023. Collection method: clinical testing. Allele origin: germline.
Comment: The c.1253_1254delTT pathogenic mutation, located in coding exon 9 of the RAD50 gene, results from a deletion of two nucleotides at nucleotide positions 1253 to 1254, causing a translational frameshift with a predicted alternate stop codon (p.F418Cfs*13). This mutation was identified in one individual from a cohort of 291 patients with triple negative breast cancer (Hahnen E et al. JAMA Oncol, 2017 Oct;3:1378-1385). This alteration was identified in 1/278 individuals from a cohort BRCA1/2-negative individuals with early-onset breast cancer via multiplex panel testing of 22 cancer susceptibility genes (Maxwell KN et al. Genet Med, 2015 Aug;17:630-8). Of note, this alteration is also designated as "c.1252delTT" and "c.1253_1254del" in published literature. This variant is considered to be rare based on population cohorts in the Genome Aggregation Database (gnomAD). In addition to the clinical data presented in the literature, this alteration is expected to result in loss of function by premature protein truncation or nonsense-mediated mRNA decay. As such, this alteration is interpreted as a disease-causing mutation.

Fulgent Genetics
Classification: Pathogenic for Nijmegen breakage syndrome-like disorder. Last evaluated: 2022-02-21. Review status: criteria provided, single submitter. Criteria: ACMG Guidelines, 2015. Collection method: clinical testing. Allele origin: unknown.

Literature cited by the submitters: PubMed 19409520 (cited by Labcorp Genetics (formerly Invitae), Labcorp); PubMed 25503501 (cited by Ambry Genetics); PubMed 28715532 (cited by Ambry Genetics).